The following is an entry in ClinVar:

NM_201253.3(CRB1):c.2951A>C (p.Asp984Ala)

Gene: CRB1 (crumbs cell polarity complex component 1; plus strand). Cytogenetic location: 1q31.3.
Variant type: single nucleotide variant.
Coding change: c.2951A>C on transcript NM_201253.3 (MANE Select); coding-DNA position 2951, A replaced by C.
Protein change: p.Asp984Ala; replaces aspartic acid 984 with alanine.
Molecular consequence: missense variant. On other transcripts: non-coding transcript variant (2), intron variant (1).
Genome position (GRCh38, 1-based): chr1:197,434,814, A>C. VCF-style: chr1-197434814-A-C. GRCh37 (hg19) VCF-style: chr1-197403944-A-C.
Other names: c.2615A>C, p.Asp872Ala (NM_001193640.2); c.2879A>C, p.Asp960Ala (NM_001257965.2); c.2129-786A>C (NM_001257966.2); short protein forms D872A, D960A, D984A.
Identifiers: ClinVar variation 1053829 (VCV001053829.9), dbSNP rs1227467460, ClinGen allele CA344043894.

ClinVar aggregate classification (germline): Uncertain significance (1 of 4 stars; one submission).

Conditions:
Retinitis pigmentosa 12 (RP12). Also called: RP WITH OR WITHOUT PPRPE; RP WITH OR WITHOUT PRESERVED PARAARTERIOLE RETINAL PIGMENT EPITHELIUM; RETINITIS PIGMENTOSA WITH OR WITHOUT PARAARTERIOLAR PRESERVATION OF RETINAL PIGMENT EPITHELIUM. Identifiers: Orphanet 791, MedGen C1838647, MONDO:0010818, OMIM 600105.
Leber congenital amaurosis 8 (LCA8). Identifiers: Orphanet 65, MedGen C3151202, MONDO:0013453, OMIM 613835.

Submission:

Labcorp Genetics (formerly Invitae), Labcorp
Classification: Uncertain significance for Leber congenital amaurosis 8; Retinitis pigmentosa 12. Last evaluated: 2020-08-14. Review status: criteria provided, single submitter. Criteria: Invitae Variant Classification Sherloc (09022015). Collection method: clinical testing. Allele origin: germline.
Comment: In summary, the available evidence is currently insufficient to determine the role of this variant in disease. Therefore, it has been classified as a Variant of Uncertain Significance. Algorithms developed to predict the effect of missense changes on protein structure and function are either unavailable or do not agree on the potential impact of this missense change (SIFT: "Deleterious"; PolyPhen-2: "Benign"; Align-GVGD: "Class C65"). This variant has not been reported in the literature in individuals with CRB1-related conditions. This variant is not present in population databases (ExAC no frequency). This sequence change replaces aspartic acid with alanine at codon 984 of the CRB1 protein (p.Asp984Ala). The aspartic acid residue is highly conserved and there is a moderate physicochemical difference between aspartic acid and alanine.